The following is an entry in ClinVar:

NM_144631.6(ZNF513):c.1544G>C (p.Ser515Thr)

Gene: ZNF513 (zinc finger protein 513; minus strand). Cytogenetic location: 2p23.3.
Variant type: single nucleotide variant.
Coding change: c.1544G>C on transcript NM_144631.6 (MANE Select); coding-DNA position 1544, G replaced by C.
Protein change: p.Ser515Thr; replaces serine 515 with threonine.
Molecular consequence: missense variant.
Genome position (GRCh38, 1-based): chr2:27,377,627, C>G on the plus strand (G>C on the coding strand, the complement: ZNF513 is on the minus strand). VCF-style: chr2-27377627-C-G. GRCh37 (hg19) VCF-style: chr2-27600494-C-G.
Other names: c.1358G>C, p.Ser453Thr (NM_001201459.2); short protein forms S515T, S453T.
Identifiers: ClinVar variation 2858935 (VCV002858935.3), dbSNP rs1376957265, ClinGen allele CA346214208.

ClinVar aggregate classification (germline): Uncertain significance (1 of 4 stars; one submission).

Allele frequency attached by ClinVar (database versions not stated): gnomAD exomes below 0.00001.
gnomAD v4.1: 2 of 1,614,122 alleles (0.00012%); highest among the groups gnomAD compares: Admixed American, 0.0033%; no homozygotes.

Submission:

Labcorp Genetics (formerly Invitae), Labcorp
Classification: Uncertain significance. Last evaluated: 2023-04-24. Review status: criteria provided, single submitter. Criteria: Invitae Variant Classification Sherloc (09022015). Collection method: clinical testing. Allele origin: germline.
Comment: An algorithm developed to predict the effect of missense changes on protein structure and function (PolyPhen-2) suggests that this variant is likely to be tolerated. This sequence change replaces serine, which is neutral and polar, with threonine, which is neutral and polar, at codon 515 of the ZNF513 protein (p.Ser515Thr). This variant is present in population databases (no rsID available, gnomAD 0.006%). This variant has not been reported in the literature in individuals affected with ZNF513-related conditions. In summary, the available evidence is currently insufficient to determine the role of this variant in disease. Therefore, it has been classified as a Variant of Uncertain Significance.